The following is an entry in ClinVar:

ClinVar aggregate classification (germline): Likely benign (1 of 4 stars; one submission).

Conditions:
SHANK2-related disorder.

Submission:

PreventionGenetics, part of Exact Sciences
Classification: Likely benign for SHANK2-related condition. Last evaluated: 2021-08-31. Review status: criteria provided, single submitter. Criteria: ACMG Guidelines, 2015. Collection method: clinical testing. Allele origin: germline.
Comment: This variant is classified as likely benign based on ACMG/AMP sequence variant interpretation guidelines (Richards et al. 2015 PMID: 25741868, with internal and published modifications).

NM_012309.5(SHANK2):c.4562C>T (p.Ser1521Phe)

Gene: SHANK2 (SH3 and multiple ankyrin repeat domains 2; minus strand). Cytogenetic location: 11q13.3.
Variant type: single nucleotide variant.
Coding change: c.4562C>T on transcript NM_012309.5 (MANE Select); coding-DNA position 4562, C replaced by T.
Protein change: p.Ser1521Phe; replaces serine 1521 with phenylalanine.
Molecular consequence: missense variant.
Genome position (GRCh38, 1-based): chr11:70,485,731, G>A on the plus strand (C>T on the coding strand, the complement: SHANK2 is on the minus strand). VCF-style: chr11-70485731-G-A. GRCh37 (hg19) VCF-style: chr11-70331836-G-A.
Other names: c.3425C>T, p.Ser1142Phe (NM_001379226.1); c.2798C>T, p.Ser933Phe (NM_133266.5); short protein forms S1142F, S1521F, S933F.
Identifiers: ClinVar variation 3039526 (VCV003039526.1), dbSNP rs2495471429, ClinGen allele CA381681606.